The following is an entry in ClinVar:

ClinVar aggregate classification (germline): Uncertain significance (1 of 4 stars; one submission).

Allele frequency attached by ClinVar (database versions not stated): ExAC 0.00001; gnomAD exomes 0.00001; TOPMed 0.00005; ESP Exome Variant Server 0.00008.
gnomAD v4.1: 15 of 1,613,604 alleles (0.00093%); highest among the groups gnomAD compares: African/African-American, 0.016%; no homozygotes.

Submission:

Labcorp Genetics (formerly Invitae), Labcorp
Classification: Uncertain significance. Last evaluated: 2024-03-01. Review status: criteria provided, single submitter. Criteria: Invitae Variant Classification Sherloc (09022015). Collection method: clinical testing. Allele origin: germline.
Comment: This sequence change replaces isoleucine, which is neutral and non-polar, with valine, which is neutral and non-polar, at codon 1205 of the NLRP1 protein (p.Ile1205Val). This variant is present in population databases (rs144843601, gnomAD 0.02%). This variant has not been reported in the literature in individuals affected with NLRP1-related conditions. ClinVar contains an entry for this variant (Variation ID: 2139130). Algorithms developed to predict the effect of missense changes on protein structure and function output the following: SIFT: "Not Available"; PolyPhen-2: "Benign"; Align-GVGD: "Not Available". The valine amino acid residue is found in multiple mammalian species, which suggests that this missense change does not adversely affect protein function. In summary, the available evidence is currently insufficient to determine the role of this variant in disease. Therefore, it has been classified as a Variant of Uncertain Significance.

NM_033004.4(NLRP1):c.3613A>G (p.Ile1205Val)

Gene: NLRP1 (NLR family pyrin domain containing 1; minus strand). Cytogenetic location: 17p13.2.
Variant type: single nucleotide variant.
Coding change: c.3613A>G on transcript NM_033004.4 (MANE Select); coding-DNA position 3613, A replaced by G.
Protein change: p.Ile1205Val; replaces isoleucine 1205 with valine.
Molecular consequence: missense variant.
Genome position (GRCh38, 1-based): chr17:5,521,694, T>C on the plus strand (A>G on the coding strand, the complement: NLRP1 is on the minus strand). VCF-style: chr17-5521694-T-C. GRCh37 (hg19) VCF-style: chr17-5425014-T-C.
Other names: c.3625A>G, p.Ile1209Val (NM_001033053.3); c.3613A>G, p.Ile1205Val (NM_014922.5); c.3523A>G, p.Ile1175Val (NM_033006.4, NM_033007.4); short protein forms I1175V, I1209V, I1205V.
Identifiers: ClinVar variation 2139130 (VCV002139130.4), dbSNP rs144843601, ClinGen allele CA8326776.